The following is an entry in ClinVar:

ClinVar aggregate classification (germline): Uncertain significance (1 of 4 stars; one submission).

Conditions:
Long QT syndrome (LQTS). Identifiers: MedGen C0023976, MeSH D008133, MONDO:0002442. Disease mechanism: loss of function. Inheritance: Various modes of inheritance.

Submission:

Labcorp Genetics (formerly Invitae), Labcorp
Classification: Uncertain significance for Long QT syndrome. Last evaluated: 2023-07-28. Review status: criteria provided, single submitter. Criteria: Invitae Variant Classification Sherloc (09022015). Collection method: clinical testing. Allele origin: germline.
Comment: This sequence change replaces isoleucine, which is neutral and non-polar, with phenylalanine, which is neutral and non-polar, at codon 143 of the CAV3 protein (p.Ile143Phe). This variant is not present in population databases (gnomAD no frequency). This variant has not been reported in the literature in individuals affected with CAV3-related conditions. An algorithm developed to predict the effect of missense changes on protein structure and function (PolyPhen-2) suggests that this variant is likely to be disruptive. In summary, the available evidence is currently insufficient to determine the role of this variant in disease. Therefore, it has been classified as a Variant of Uncertain Significance.

NM_033337.3(CAV3):c.427A>T (p.Ile143Phe)

Genes: CAV3 (caveolin 3; plus strand), OXTR (oxytocin receptor; minus strand). Cytogenetic location: 3p25.3.
Variant type: single nucleotide variant.
Coding change: c.427A>T on transcript NM_033337.3 (MANE Select); coding-DNA position 427, A replaced by T.
Protein change: p.Ile143Phe; replaces isoleucine 143 with phenylalanine.
Molecular consequence: missense variant.
Genome position (GRCh38, 1-based): chr3:8,745,838, A>T. VCF-style: chr3-8745838-A-T. GRCh37 (hg19) VCF-style: chr3-8787524-A-T.
Other names: c.427A>T, p.Ile143Phe (NM_001234.5); short protein forms I143F.
Identifiers: ClinVar variation 2857073 (VCV002857073.3), dbSNP rs2470062831, ClinGen allele CA351663747.
Genomic context (GRCh38, chr3:8,745,838, plus strand): 5'-CTCTGCATCCGCACCTTCTGCAACCCACTCTTCGCGGCCCTGGGCCAGGTCTGCAGCAGC[A>T]TCAAGGTGGTGCTGCGGAAGGAGGTCTAAAGCCAGGTGGGGCAACAGCGGTGGCAGGGCA-3'
Protein context (NP_203123.1, residues 133-151): FAALGQVCSS[Ile143Phe]KVVLRKEV